The following is an entry in ClinVar:

NM_001101.5(ACTB):c.124-12T>G

Gene: ACTB (actin beta; minus strand). Cytogenetic location: 7p22.1.
Variant type: single nucleotide variant.
Coding change: c.124-12T>G on transcript NM_001101.5 (MANE Select); 12 bases into the intron before coding-DNA position 124, T replaced by G.
Molecular consequence: intron variant.
Genome position (GRCh38, 1-based): chr7:5,529,412, A>C on the plus strand (T>G on the coding strand, the complement: ACTB is on the minus strand). VCF-style: chr7-5529412-A-C. GRCh37 (hg19) VCF-style: chr7-5569043-A-C.
Identifiers: ClinVar variation 4885024 (VCV004885024.2).

ClinVar aggregate classification (germline): Uncertain significance (1 of 4 stars; one submission).

Submission:

Dasa
Classification: Uncertain significance. Last evaluated: 2025-12-22. Review status: criteria provided, single submitter. Criteria: DASA Assertion Criteria. Collection method: clinical testing. Allele origin: germline.
Comment: NM_001101.5(ACTB):c.124-12T>G is an intronic variant. This variant is rare in population databases. The currently available literature and clinical evidence are not sufficient to establish a definitive association between this variant and the reported condition. Therefore, this variant is classified as a variant of uncertain significance.